The following is an entry in ClinVar:

ClinVar aggregate classification (germline): Uncertain significance. Review status: criteria provided, multiple submitters, no conflicts (2 of 4 stars). 2 submissions from 2 submitters: Uncertain significance (2). Last evaluated 2026-06-29.

Conditions:
Inborn genetic diseases. Identifiers: MedGen C0950123, MeSH D030342.
SERAC1-related disorder. Also called: SERAC1-related disorders; SERAC1-related condition.

Allele frequency attached by ClinVar (database versions not stated): ESP Exome Variant Server 0.00008.
gnomAD v4.1: 6 of 1,610,940 alleles (0.00037%); highest among the groups gnomAD compares: Non-Finnish European, 0.00051%; no homozygotes.

Submissions (2):

PreventionGenetics, part of Exact Sciences
Classification: Uncertain significance for SERAC1-related condition. Last evaluated: 2026-06-29. Review status: criteria provided, single submitter. Criteria: ACMG Guidelines, 2015. Collection method: clinical testing. Allele origin: germline.
Comment: The SERAC1 c.1163C>T variant is predicted to result in the amino acid substitution p.Thr388Ile. To our knowledge, this variant has not been reported in the literature. This variant is reported in 0.0065% of alleles in individuals of European (Non-Finnish) descent in gnomAD. At this time, the clinical significance of this variant is uncertain due to the absence of conclusive functional and genetic evidence.

Ambry Genetics
Classification: Uncertain significance for Inborn genetic diseases. Last evaluated: 2022-01-18. Review status: criteria provided, single submitter. Criteria: Ambry Variant Classification Scheme 2023. Collection method: clinical testing. Allele origin: germline.

NM_032861.4(SERAC1):c.1163C>T (p.Thr388Ile)

Gene: SERAC1 (serine active site containing 1; minus strand). Cytogenetic location: 6q25.3.
Variant type: single nucleotide variant.
Coding change: c.1163C>T on transcript NM_032861.4 (MANE Select); coding-DNA position 1163, C replaced by T.
Protein change: p.Thr388Ile; replaces threonine 388 with isoleucine.
Molecular consequence: missense variant. On other transcripts: non-coding transcript variant (1).
Genome position (GRCh38, 1-based): chr6:158,120,428, G>A on the plus strand (C>T on the coding strand, the complement: SERAC1 is on the minus strand). VCF-style: chr6-158120428-G-A. GRCh37 (hg19) VCF-style: chr6-158541460-G-A.
Other names: short protein forms T388I.
Identifiers: ClinVar variation 2271658 (VCV002271658.3), dbSNP rs367781123, ClinGen allele CA150920274.